The following is an entry in ClinVar:

ClinVar aggregate classification (germline): Uncertain significance (1 of 4 stars; one submission).

gnomAD v4.1: 2 of 1,608,676 alleles (0.00012%); highest among the groups gnomAD compares: Non-Finnish European, 0.00017%; no homozygotes.

Submission:

GeneDx
Classification: Uncertain significance. Last evaluated: 2025-02-07. Review status: criteria provided, single submitter. Criteria: GeneDx Variant Classification Process June 2021. Collection method: clinical testing. Allele origin: germline. Affected: yes.
Comment: Not observed at significant frequency in large population cohorts (gnomAD); In silico analysis supports that this missense variant has a deleterious effect on protein structure/function; Has not been previously published as pathogenic or benign to our knowledge

NM_006136.3(CAPZA2):c.748A>G (p.Met250Val)

Gene: CAPZA2 (capping actin protein of muscle Z-line subunit alpha 2; plus strand). Cytogenetic location: 7q31.2.
Variant type: single nucleotide variant.
Coding change: c.748A>G on transcript NM_006136.3 (MANE Select); coding-DNA position 748, A replaced by G.
Protein change: p.Met250Val; replaces methionine 250 with valine.
Molecular consequence: missense variant.
Genome position (GRCh38, 1-based): chr7:116,917,754, A>G. VCF-style: chr7-116917754-A-G. GRCh37 (hg19) VCF-style: chr7-116557808-A-G.
Other names: short protein forms M250V.
Identifiers: ClinVar variation 4074652 (VCV004074652.1).